The following is an entry in ClinVar:

ClinVar aggregate classification (germline): Uncertain significance (1 of 4 stars; one submission).

Conditions:
Alstrom syndrome (ALMS). Identifiers: Orphanet 64, MedGen C0268425, MONDO:0008763, OMIM 203800.

Allele frequency attached by ClinVar (database versions not stated): gnomAD exomes below 0.00001; TOPMed 0.00001.
gnomAD v4.1: 3 of 1,613,880 alleles (0.00019%); highest among the groups gnomAD compares: Non-Finnish European, 0.000085%; no homozygotes.

Submission:

Labcorp Genetics (formerly Invitae), Labcorp
Classification: Uncertain significance for Alstrom syndrome. Last evaluated: 2022-06-27. Review status: criteria provided, single submitter. Criteria: Invitae Variant Classification Sherloc (09022015). Collection method: clinical testing. Allele origin: germline.
Comment: This sequence change replaces glutamic acid, which is acidic and polar, with aspartic acid, which is acidic and polar, at codon 2491 of the ALMS1 protein (p.Glu2491Asp). This variant is present in population databases (no rsID available, gnomAD no frequency). This variant has not been reported in the literature in individuals affected with ALMS1-related conditions. Experimental studies and prediction algorithms are not available or were not evaluated, and the functional significance of this variant is currently unknown. In summary, the available evidence is currently insufficient to determine the role of this variant in disease. Therefore, it has been classified as a Variant of Uncertain Significance.

NM_001378454.1(ALMS1):c.7470A>C (p.Glu2490Asp)

Gene: ALMS1 (ALMS1 centrosome and basal body associated protein; plus strand). Cytogenetic location: 2p13.1.
Variant type: single nucleotide variant.
Coding change: c.7470A>C on transcript NM_001378454.1 (MANE Select); coding-DNA position 7470, A replaced by C.
Protein change: p.Glu2490Asp; replaces glutamic acid 2490 with aspartic acid.
Molecular consequence: missense variant.
Genome position (GRCh38, 1-based): chr2:73,453,997, A>C. VCF-style: chr2-73453997-A-C. GRCh37 (hg19) VCF-style: chr2-73681124-A-C.
Other names: c.7473A>C, p.Glu2491Asp (NM_015120.4); short protein forms E2490D, E2491D.
Identifiers: ClinVar variation 1467384 (VCV001467384.3), dbSNP rs1180605370, ClinGen allele CA347292539.